The following is an entry in ClinVar:

NM_025137.4(SPG11):c.3059C>G (p.Pro1020Arg)

Gene: SPG11 (SPG11 vesicle trafficking associated, spatacsin; minus strand). Cytogenetic location: 15q21.1.
Variant type: single nucleotide variant.
Coding change: c.3059C>G on transcript NM_025137.4 (MANE Select); coding-DNA position 3059, C replaced by G.
Protein change: p.Pro1020Arg; replaces proline 1020 with arginine.
Molecular consequence: missense variant.
Genome position (GRCh38, 1-based): chr15:44,613,516, G>C on the plus strand (C>G on the coding strand, the complement: SPG11 is on the minus strand). VCF-style: chr15-44613516-G-C. GRCh37 (hg19) VCF-style: chr15-44905714-G-C.
Other names: c.3059C>G, p.Pro1020Arg (NM_001160227.2); short protein forms P1020R.
Identifiers: ClinVar variation 1479019 (VCV001479019.6), dbSNP rs2141011170, ClinGen allele CA392228764.

ClinVar aggregate classification (germline): Uncertain significance (1 of 4 stars; one submission).

Conditions:
Hereditary spastic paraplegia 11. Also called: Autosomal recessive hereditary spastic paraplegia, mental impairment, and thin corpus callosum; SPASTIC PARAPLEGIA, AUTOSOMAL RECESSIVE, COMPLICATED, WITH THIN CORPUS CALLOSUM; SPASTIC PARAPLEGIA, AUTOSOMAL RECESSIVE, WITH MENTAL IMPAIRMENT AND THIN CORPUS CALLOSUM; Spastic paraplegia, mental retardation and thin corpus callosum; Spastic Paraplegia 11; Nakamura Osame syndrome. Identifiers: Orphanet 2822, MedGen C1858479, MONDO:0011445, OMIM 604360.

Submission:

Labcorp Genetics (formerly Invitae), Labcorp
Classification: Uncertain significance for Hereditary spastic paraplegia 11. Last evaluated: 2021-09-09. Review status: criteria provided, single submitter. Criteria: Invitae Variant Classification Sherloc (09022015). Collection method: clinical testing. Allele origin: germline.
Comment: This sequence change replaces proline with arginine at codon 1020 of the SPG11 protein (p.Pro1020Arg). The proline residue is highly conserved and there is a moderate physicochemical difference between proline and arginine. This variant is not present in population databases (ExAC no frequency). This variant has not been reported in the literature in individuals affected with SPG11-related conditions. Algorithms developed to predict the effect of missense changes on protein structure and function are either unavailable or do not agree on the potential impact of this missense change (SIFT: "Deleterious"; PolyPhen-2: "Benign"; Align-GVGD: "Class C0"). In summary, the available evidence is currently insufficient to determine the role of this variant in disease. Therefore, it has been classified as a Variant of Uncertain Significance.